The following is an entry in ClinVar:

ClinVar aggregate classification (germline): Uncertain significance (1 of 4 stars; one submission).

Conditions:
Inborn genetic diseases. Identifiers: MedGen C0950123, MeSH D030342.

gnomAD v4.1: 1 of 1,613,506 alleles (0.000062%); highest among the groups gnomAD compares: Non-Finnish European, 0.000085%; no homozygotes.

Submission:

Ambry Genetics
Classification: Uncertain significance for Inborn genetic diseases. Last evaluated: 2025-12-12. Review status: criteria provided, single submitter. Criteria: Ambry Variant Classification Scheme 2023. Collection method: clinical testing. Allele origin: germline.
Comment: The p.L1315S variant (also known as c.3944T>C), located in coding exon 1 of the SAMD9L gene, results from a T to C substitution at nucleotide position 3944. The leucine at codon 1315 is replaced by serine, an amino acid with dissimilar properties. This amino acid position is conserved. In addition, this alteration is predicted to be tolerated by in silico analysis. Based on the available evidence, the clinical significance of this variant remains unclear.

NM_152703.5(SAMD9L):c.3944T>C (p.Leu1315Ser)

Gene: SAMD9L (sterile alpha motif domain containing 9 like; minus strand). Cytogenetic location: 7q21.2.
Variant type: single nucleotide variant.
Coding change: c.3944T>C on transcript NM_152703.5 (MANE Select); coding-DNA position 3944, T replaced by C.
Protein change: p.Leu1315Ser; replaces leucine 1315 with serine.
Molecular consequence: missense variant.
Genome position (GRCh38, 1-based): chr7:93,132,028, A>G on the plus strand (T>C on the coding strand, the complement: SAMD9L is on the minus strand). VCF-style: chr7-93132028-A-G. GRCh37 (hg19) VCF-style: chr7-92761341-A-G.
Other names: c.3944T>C, p.Leu1315Ser (NM_001303496.3, NM_001303497.3, NM_001303498.3 and 5 more transcripts); short protein forms L1315S.
Identifiers: ClinVar variation 4159479 (VCV004159479.2).